The following is an entry in ClinVar:

ClinVar aggregate classification (germline): Uncertain significance. Review status: criteria provided, single submitter (1 of 4 stars). 2 submissions from 2 submitters: Uncertain significance (1). 1 of the submissions does not count toward it. Last evaluated 2025-02-17.

Conditions:
Hereditary cancer-predisposing syndrome. Also called: Tumor predisposition; Hereditary Cancer Syndrome; Neoplastic Syndromes, Hereditary; Hereditary neoplastic syndrome. Identifiers: Orphanet 140162, MedGen C0027672, MeSH D009386, MONDO:0015356.
Breast-ovarian cancer, familial, susceptibility to, 2 (BROVCA2). Also called: BRCA2 Hereditary Breast and Ovarian Cancer. Identifiers: Orphanet 145, MedGen C2675520, MONDO:0012933, OMIM 612555. Disease mechanism: loss of function.

Submissions (2):

Ambry Genetics
Classification: Uncertain significance for Hereditary cancer-predisposing syndrome. Last evaluated: 2025-02-17. Review status: criteria provided, single submitter. Criteria: Ambry Variant Classification Scheme 2023. Collection method: clinical testing. Allele origin: germline.
Comment: The p.E804A variant (also known as c.2411A>C), located in coding exon 10 of the BRCA2 gene, results from an A to C substitution at nucleotide position 2411. The glutamic acid at codon 804 is replaced by alanine, an amino acid with dissimilar properties. This amino acid position is not well conserved in available vertebrate species. In addition, this alteration is predicted to be tolerated by in silico analysis. Based on the available evidence, the clinical significance of this variant remains unclear.

Sharing Clinical Reports Project (SCRP)
Classification: Uncertain significance for Breast-ovarian cancer, familial 2. Last evaluated: 2006-04-28. Review status: no assertion criteria provided. Collection method: clinical testing. Allele origin: germline. Not counted in ClinVar's aggregate classification.

NM_000059.4(BRCA2):c.2411A>C (p.Glu804Ala)

Gene: BRCA2 (BRCA2 DNA repair associated; plus strand). Cytogenetic location: 13q13.1.
Variant type: single nucleotide variant.
Coding change: c.2411A>C on transcript NM_000059.4 (MANE Select); coding-DNA position 2411, A replaced by C.
Protein change: p.Glu804Ala; replaces glutamic acid 804 with alanine.
Molecular consequence: missense variant. On other transcripts: non-coding transcript variant (1), intron variant (2).
Genome position (GRCh38, 1-based): chr13:32,336,766, A>C. VCF-style: chr13-32336766-A-C. GRCh37 (hg19) VCF-style: chr13-32910903-A-C.
Other names: E804A; c.2411A>C, p.Glu804Ala (NM_001406719.1, NM_001406720.1, NM_001432077.1); c.1909+3379A>C (NM_001406721.1); c.424+5736A>C (NM_001406722.1).
Identifiers: ClinVar variation 252821 (VCV000252821.3), dbSNP rs879255445, ClinGen allele CA10586060.